The following is an entry in ClinVar:

NM_000558.3(HBA1):c.179G>A (p.Gly60Asp)

Genes: HBA1 (hemoglobin subunit alpha 1; plus strand), LOC106804613 (hemoglobin subunit alpha 1 recombination region; plus strand). Cytogenetic location: 16p13.3.
Variant type: single nucleotide variant.
Coding change: c.179G>A on transcript NM_000558.3; coding-DNA position 179, G replaced by A.
Protein change: p.Gly60Asp; replaces glycine 60 with aspartic acid.
Molecular consequence: missense variant (on NM_000558.5).
Genome position (GRCh38, 1-based): chr16:177,012, G>A. VCF-style: chr16-177012-G-A. GRCh37 (hg19) VCF-style: chr16-227011-G-A.
Other names: G59D; c.179G>A, p.Gly60Asp (NM_000558.5); short protein forms G60D.
Identifiers: ClinVar variation 15849 (VCV000015849.16), dbSNP rs28928878, ClinGen allele CA125949.

ClinVar aggregate classification (germline): Pathogenic. Review status: criteria provided, multiple submitters, no conflicts (2 of 4 stars). 7 submissions from 6 submitters: Pathogenic (5). 2 of the submissions do not count toward it. Last evaluated 2025-07-21.

Conditions:
Erythrocytosis, familial, 7. Also called: ERYTHROCYTOSIS, ALPHA-GLOBIN TYPE; POLYCYTHEMIA, ALPHA-GLOBIN TYPE; ERYTHROCYTOSIS 7. Identifiers: MedGen C4693823, MONDO:0054802, OMIM 617981.
Heinz body anemia. Also called: Heinz body hemolytic anemia. Identifiers: Orphanet 178330, MedGen C0700299, MONDO:0007705, OMIM 140700, HP:0005511.
Hemoglobin H disease (HBH). Also called: Hemoglobin H (HbH) Disease; HEMOGLOBIN H DISEASE, DELETIONAL; ALPHA-THALASSEMIA, HEMOGLOBIN H TYPE. Identifiers: Orphanet 93616, MedGen C3161174, MONDO:0013512, OMIM 613978. Disease mechanism: loss of function.
Methemoglobinemia, alpha type. Identifiers: MedGen C4693798, MONDO:0020835, OMIM 617973.
alpha Thalassemia. Also called: Alpha thalassemia spectrum. Identifiers: Orphanet 846, MedGen C0002312, MONDO:0011399, OMIM 604131.
Hemoglobin H disease, nondeletional. Identifiers: MedGen C3279561.
HEMOGLOBIN ADANA.

Submissions (7):

Natera, Inc.
Classification: Pathogenic for Alpha thalassemia. Last evaluated: 2025-07-21. Review status: criteria provided, single submitter. Criteria: Natera Variant Classification Schema (03/2026). Collection method: clinical testing. Allele origin: germline.
Comment: The c.179G>A variant in HBA1 is a missense variant predicted to cause substitution of glycine to aspartic acid at amino acid 60. This variant is rare in the general population with a frequency below the threshold expected for the associated phenotype(s). This variant has been observed in one or more individuals affected with the associated recessive disease, as either homozygous or compound heterozygous with a second variant (PMID: 19373587, 24829075). Additionally, this variant has been observed to segregate in affected family members (PMID: 24829075). Computational prediction algorithms indicate this variant is likely to affect gene or protein function. Given the available evidence, this variant is classified as Pathogenic.

Fulgent Genetics
Classification: Pathogenic for Heinz body anemia; alpha Thalassemia; Hemoglobin H disease; Methemoglobinemia, alpha type; Erythrocytosis, familial, 7. Last evaluated: 2024-06-05. Review status: criteria provided, single submitter. Criteria: ACMG Guidelines, 2015. Collection method: clinical testing. Allele origin: germline.

Women's Health and Genetics/Laboratory Corporation of America, LabCorp
Classification: Pathogenic for alpha Thalassemia. Last evaluated: 2024-05-29. Review status: criteria provided, single submitter. Criteria: LabCorp Variant Classification Summary - May 2015. Collection method: clinical testing. Allele origin: germline.
Comment: Variant summary: HBA1 c.179G>A (p.Gly60Asp) results in a non-conservative amino acid change in the encoded protein sequence. Five of five in-silico tools predict a damaging effect of the variant on protein function. The variant was absent in 135930 control chromosomes. c.179G>A has been reported in the literature in multiple individuals affected with Alpha Thalassemia (example, Bayat_2013, Tamaddoni_2009). These data indicate that the variant is very likely to be associated with disease. A different variant affecting the same codon has been classified as pathogenic by our lab (c.178G>C, p.Gly60Arg), supporting the critical relevance of codon 60 to HBA1 protein function. To our knowledge, no experimental evidence demonstrating an impact on protein function has been reported. The following publications have been ascertained in the context of this evaluation (PMID: 23402770, 19373587). ClinVar contains an entry for this variant (Variation ID: 15849). Based on the evidence outlined above, the variant was classified as pathogenic.

Quest Diagnostics Nichols Institute San Juan Capistrano
Classification: Pathogenic. Last evaluated: 2019-03-19. Review status: criteria provided, single submitter. Criteria: Quest Diagnostics criteria. Collection method: clinical testing. Allele origin: germline.
Comment: Not found in the total gnomAD dataset, and the data is high quality (0/165308 chr). Found in at least one symptomatic patient. Predicted to have a damaging effect on the protein. Occurs in multiple cases with a recessive pathogenic variant in the same gene. Assessment of experimental evidence suggests this variant results in abnormal protein function.

ARUP Laboratories, Molecular Genetics and Genomics, ARUP Laboratories
Classification: Pathogenic. Last evaluated: 2017-06-18. Review status: criteria provided, single submitter. Criteria: ARUP Molecular Germline Variant Investigation Process. Collection method: clinical testing. Allele origin: germline.

OMIM
Classification: other for HEMOGLOBIN ADANA. Last evaluated: 2016-07-20. Review status: no assertion criteria provided. Collection method: literature only. Allele origin: germline. Not counted in ClinVar's aggregate classification.

OMIM
Classification: Pathogenic for HEMOGLOBIN H DISEASE, NONDELETIONAL. Last evaluated: 2016-07-20. Review status: no assertion criteria provided. Collection method: literature only. Allele origin: germline. Not counted in ClinVar's aggregate classification.

Literature cited by the submitters: PubMed 19373587 (cited by Natera, Inc. and Women's Health and Genetics/Laboratory Corporation of America, LabCorp); PubMed 24829075 (cited by Natera, Inc.); PubMed 23402770 (cited by Women's Health and Genetics/Laboratory Corporation of America, LabCorp); PubMed 8237999 (cited by Quest Diagnostics Nichols Institute San Juan Capistrano); PubMed 9029003 (cited by Quest Diagnostics Nichols Institute San Juan Capistrano); PubMed 20147853 (cited by Quest Diagnostics Nichols Institute San Juan Capistrano); PubMed 25342395 (cited by Quest Diagnostics Nichols Institute San Juan Capistrano); PubMed 29749692 (cited by Quest Diagnostics Nichols Institute San Juan Capistrano); PubMed 19636270 (cited by Quest Diagnostics Nichols Institute San Juan Capistrano); PubMed 27173219 (cited by Quest Diagnostics Nichols Institute San Juan Capistrano); Curuk, M. A., Altay, C., Fei, Y.-J., Kutlar, F., Baysal, E., Gu, L.-H., Huisman, T. H. J. Severe Hb H disease due to a combination of the -(alpha)20 kb deletion and Hb Adana, an unstable alpha-1 variant with gly-to-asp at alpha-59 (GGC-to-GAC). (Abstract) Blood 80: 81a, 1992. (cited by OMIM).